The following is an entry in ClinVar:

NM_017780.4(CHD7):c.5754T>C (p.Thr1918=)

Gene: CHD7 (chromodomain helicase DNA binding protein 7; plus strand). Cytogenetic location: 8q12.2.
Variant type: single nucleotide variant.
Coding change: c.5754T>C on transcript NM_017780.4 (MANE Select); coding-DNA position 5754, T replaced by C.
Protein change: p.Thr1918=; no amino-acid change (threonine 1918 retained).
Molecular consequence: synonymous variant. On other transcripts: intron variant (1).
Genome position (GRCh38, 1-based): chr8:60,852,107, T>C. VCF-style: chr8-60852107-T-C. GRCh37 (hg19) VCF-style: chr8-61764666-T-C.
Other names: c.1717-10122T>C (NM_001316690.1).
Identifiers: ClinVar variation 95796 (VCV000095796.54), dbSNP rs61746542, ClinGen allele CA148866.

ClinVar aggregate classification (germline): Benign/Likely benign. Review status: criteria provided, multiple submitters, no conflicts (2 of 4 stars). 10 submissions from 10 submitters: Benign (8); Likely benign (2). Last evaluated 2026-08-01.

Conditions:
Inborn genetic diseases. Identifiers: MedGen C0950123, MeSH D030342.
Hypogonadotropic hypogonadism 5 with or without anosmia (KAL5). Also called: CHD7-Related GnRH Deficiency (Kallmann Syndrome 5); HYPOGONADOTROPIC HYPOGONADISM 5 WITH ANOSMIA; HYPOGONADOTROPHIC HYPOGONADISM 5 WITHOUT ANOSMIA. Identifiers: Orphanet 478, MedGen C3552553, MONDO:0012880, OMIM 612370. Disease mechanism: loss of function.
CHARGE syndrome (CHARGE). Also called: CHARGE ASSOCIATION--COLOBOMA, HEART ANOMALY, CHOANAL ATRESIA, RETARDATION, GENITAL AND EAR ANOMALIES; Hittner Hirsch Kreh syndrome; Coloboma, heart anomaly, choanal atresia, retardation, genital and ear anomalies; CHARGE association; Hall-Hittner syndrome. Identifiers: Orphanet 138, MedGen C0265354, MONDO:0008965.

Allele frequency attached by ClinVar (database versions not stated): gnomAD exomes 0.00039 and 0.00019; ExAC 0.00047; gnomAD 0.00167 and 0.00157; 1000 Genomes Project 0.00319; 1000 Genomes Project 30x 0.00390; TOPMed 0.00181; ESP Exome Variant Server 0.00191.
gnomAD v4.1: 553 of 1,614,038 alleles (0.034%); highest among the groups gnomAD compares: African/African-American, 0.62%; no homozygotes.

Submissions (10):

CeGaT Center for Human Genetics Tuebingen
Classification: Likely benign. Last evaluated: 2026-08-01. Review status: criteria provided, single submitter. Criteria: CeGaT Center For Human Genetics Tuebingen Variant Classification Criteria Version 2. Collection method: clinical testing. Allele origin: germline. Affected: yes. Observed: 5 variant alleles.
Comment: CHD7: BP4, BP7, BS1

Labcorp Genetics (formerly Invitae), Labcorp
Classification: Benign for CHARGE syndrome. Last evaluated: 2026-01-26. Review status: criteria provided, single submitter. Criteria: Invitae Variant Classification Sherloc (09022015). Collection method: clinical testing. Allele origin: germline.

Blueprint Genetics
Classification: Likely benign. Last evaluated: 2024-11-25. Review status: criteria provided, single submitter. Criteria: ACMG Guidelines, 2015. Collection method: clinical testing. Allele origin: germline.

Fulgent Genetics
Classification: Benign for CHD7-related CHARGE syndrome; Hypogonadotropic hypogonadism 5 with or without anosmia. Last evaluated: 2021-07-26. Review status: criteria provided, single submitter. Criteria: ACMG Guidelines, 2015. Collection method: clinical testing. Allele origin: unknown.

Genetic Services Laboratory, University of Chicago
Classification: Benign. Last evaluated: 2019-11-25. Review status: criteria provided, single submitter. Criteria: ACMG Guidelines, 2015. Collection method: clinical testing. Allele origin: germline. Affected: no.

GeneDx
Classification: Benign. Last evaluated: 2018-12-13. Review status: criteria provided, single submitter. Criteria: GeneDx Variant Classification Process June 2021. Collection method: clinical testing. Allele origin: germline. Affected: yes.

Illumina Laboratory Services, Illumina
Classification: Benign for Kallmann Syndrome 5. Last evaluated: 2018-01-13. Review status: criteria provided, single submitter. Criteria: ICSL Variant Classification Criteria 13 December 2019. Collection method: clinical testing. Allele origin: germline.
Comment: This variant was observed in the ICSL laboratory as part of a predisposition screen in an ostensibly healthy population. It had not been previously curated by ICSL or reported in the Human Gene Mutation Database (HGMD: prior to June 1st, 2018), and was therefore a candidate for classification through an automated scoring system. Utilizing variant allele frequency, disease prevalence and penetrance estimates, and inheritance mode, an automated score was calculated to assess if this variant is too frequent to cause the disease. Based on the score and internal cut-off values, a variant classified as benign is not then subjected to further curation. The score for this variant resulted in a classification of benign for this disease.

Ambry Genetics
Classification: Benign for Inborn genetic diseases. Last evaluated: 2016-10-10. Review status: criteria provided, single submitter. Criteria: Ambry Variant Classification Scheme 2023. Collection method: clinical testing. Allele origin: germline.

Eurofins Ntd Llc (ga)
Classification: Benign. Last evaluated: 2013-10-16. Review status: criteria provided, single submitter. Criteria: EGL Classification Definitions 2015. Collection method: clinical testing. Allele origin: germline. Observed: 1 variant allele, 1 heterozygote.

Breakthrough Genomics
Classification: Benign. Review status: criteria provided, single submitter. Criteria: ACMG Guidelines, 2015. Collection method: not provided. Allele origin: germline. Inheritance: Autosomal dominant inheritance. Affected: yes.